The following is an entry in ClinVar:

ClinVar aggregate classification (germline): Uncertain significance (1 of 4 stars; one submission).

Conditions:
Autosomal dominant Parkinson disease 8. Also called: LRRK2-Related Parkinson Disease; Parkinson disease 8; Parkinson disease 8, susceptibility to. Identifiers: Orphanet 411602, MedGen C1846862, MONDO:0011764, OMIM 607060.

gnomAD v4.1: 4 of 1,613,540 alleles (0.00025%); highest among the groups gnomAD compares: African/African-American, 0.0053%; no homozygotes.

Submission:

Labcorp Genetics (formerly Invitae), Labcorp
Classification: Uncertain significance for Autosomal dominant Parkinson disease 8. Last evaluated: 2023-07-03. Review status: criteria provided, single submitter. Criteria: Invitae Variant Classification Sherloc (09022015). Collection method: clinical testing. Allele origin: germline.
Comment: In summary, the available evidence is currently insufficient to determine the role of this variant in disease. Therefore, it has been classified as a Variant of Uncertain Significance. Advanced modeling of protein sequence and biophysical properties (such as structural, functional, and spatial information, amino acid conservation, physicochemical variation, residue mobility, and thermodynamic stability) has been performed at Invitae for this missense variant, however the output from this modeling did not meet the statistical confidence thresholds required to predict the impact of this variant on LRRK2 protein function. This variant has not been reported in the literature in individuals affected with LRRK2-related conditions. This variant is not present in population databases (gnomAD no frequency). This sequence change replaces asparagine, which is neutral and polar, with lysine, which is basic and polar, at codon 289 of the LRRK2 protein (p.Asn289Lys).

NM_198578.4(LRRK2):c.867C>A (p.Asn289Lys)

Gene: LRRK2 (leucine rich repeat kinase 2; plus strand). Cytogenetic location: 12q12.
Variant type: single nucleotide variant.
Coding change: c.867C>A on transcript NM_198578.4 (MANE Select); coding-DNA position 867, C replaced by A.
Protein change: p.Asn289Lys; replaces asparagine 289 with lysine.
Molecular consequence: missense variant.
Genome position (GRCh38, 1-based): chr12:40,249,854, C>A. VCF-style: chr12-40249854-C-A. GRCh37 (hg19) VCF-style: chr12-40643656-C-A.
Other names: short protein forms N289K.
Identifiers: ClinVar variation 2704272 (VCV002704272.3), dbSNP rs17490713, ClinGen allele CA235356636.